The following is an entry in ClinVar:

NM_001127511.3(APC):c.-136G>A

Gene: APC (APC regulator of Wnt signaling pathway; plus strand). Cytogenetic location: 5q22.2.
Variant type: single nucleotide variant.
Coding change: c.-136G>A on transcript NM_001127511.3; 136 bases upstream of the start codon, G replaced by A.
Molecular consequence: 5 prime UTR variant. On other transcripts: non-coding transcript variant (2).
Genome position (GRCh38, 1-based): chr5:112,707,582, G>A. VCF-style: chr5-112707582-G-A. GRCh37 (hg19) VCF-style: chr5-112043279-G-A.
Other names: c.-319G>A (NM_001354895.2, NM_001407447.1, NM_001407452.1 and 3 more transcripts); c.-136G>A (NM_001354897.2, NM_001354902.2, NM_001407446.1); c.-86G>A (NM_001407448.1, NM_001407450.1, NM_001407457.1 and 1 more transcripts); c.-110G>A (NM_001407453.1); c.-1354G>A (NM_001407470.1, NM_001407472.1).
Identifiers: ClinVar variation 1502400 (VCV001502400.6), dbSNP rs982566204, ClinGen allele CA1573442482.
Genomic context (GRCh38, chr5:112,707,582, plus strand): 5'-CAAGATGGCGGAGGGCAAGTAGCAAGGGGGCGGGGTGTGGCCGCCGGAAGCCTAGCCGCT[G>A]CTCGGGGGGGACCTGCGGGCTCAGGCCCGGGAGCTGCGGACCGAGGTTGGCTCGATGCTG-3'

ClinVar aggregate classification (germline): Uncertain significance (1 of 4 stars; one submission).

Conditions:
Familial adenomatous polyposis 1 (FAP1). Also called: FAMILIAL ADENOMATOUS POLYPOSIS 1, ATTENUATED; POLYPOSIS, ADENOMATOUS INTESTINAL. Identifiers: MedGen C2713442, MONDO:0021056, OMIM 175100. Disease mechanism: loss of function.

Submission:

Labcorp Genetics (formerly Invitae), Labcorp
Classification: Uncertain significance for Familial adenomatous polyposis 1. Last evaluated: 2025-07-30. Review status: criteria provided, single submitter. Criteria: Invitae Variant Classification Sherloc (09022015). Collection method: clinical testing. Allele origin: germline.
Comment: This variant occurs in a non-coding region of the APC gene. It does not change the encoded amino acid sequence of the APC protein. This variant is not present in population databases (gnomAD no frequency). This variant has not been reported in the literature in individuals affected with APC-related conditions. Experimental studies and prediction algorithms are not available or were not evaluated, and the functional significance of this variant is currently unknown. In summary, the available evidence is currently insufficient to determine the role of this variant in disease. Therefore, it has been classified as a Variant of Uncertain Significance.